The following is an entry in ClinVar:

ClinVar aggregate classification (germline): Pathogenic. Review status: criteria provided, multiple submitters, no conflicts (2 of 4 stars). 3 submissions from 3 submitters: Pathogenic (3). Last evaluated 2025-09-24.

Conditions:
Glycogen storage disease IXa1. Also called: GLYCOGEN STORAGE DISEASE VIII; GSD VIII; LIVER GLYCOGENOSIS, X-LINKED, TYPE I; Glycogen storage disease 8. Identifiers: Orphanet 264580, MedGen C3694531, MONDO:0010598, OMIM 306000.

Allele frequency attached by ClinVar (database versions not stated): gnomAD exomes below 0.00001; ExAC 0.00001.

Submissions (3):

Genesolutions, Medical Genetics Institutes, Ho Chi Minh City, Vietnam
Classification: Pathogenic for Glycogen storage disease IXa1. Last evaluated: 2025-09-24. Review status: criteria provided, single submitter. Criteria: ACMG Guidelines, 2015. Collection method: clinical testing. Allele origin: germline. Affected: yes.

3billion
Classification: Pathogenic for Glycogen storage disease IXa1. Last evaluated: 2025-04-09. Review status: criteria provided, single submitter. Criteria: ACMG Guidelines, 2015. Collection method: clinical testing. Allele origin: germline. Affected: yes.

Labcorp Genetics (formerly Invitae), Labcorp
Classification: Pathogenic for Glycogen storage disease IXa1. Last evaluated: 2024-05-06. Review status: criteria provided, single submitter. Criteria: Invitae Variant Classification Sherloc (09022015). Collection method: clinical testing. Allele origin: germline.
Comment: This sequence change creates a premature translational stop signal (p.Arg392*) in the PHKA2 gene. It is expected to result in an absent or disrupted protein product. Loss-of-function variants in PHKA2 are known to be pathogenic (PMID: 7711737, 10330341). This variant is present in population databases (rs760585193, gnomAD 0.008%). This variant has not been reported in the literature in individuals affected with PHKA2-related conditions. ClinVar contains an entry for this variant (Variation ID: 2138484). For these reasons, this variant has been classified as Pathogenic.

Literature cited by the submitters: PubMed 7711737 (cited by Labcorp Genetics (formerly Invitae), Labcorp); PubMed 10330341 (cited by Labcorp Genetics (formerly Invitae), Labcorp).

NM_000292.3(PHKA2):c.1174C>T (p.Arg392Ter)

Gene: PHKA2 (phosphorylase kinase regulatory subunit alpha 2; minus strand). Cytogenetic location: Xp22.13.
Variant type: single nucleotide variant.
Coding change: c.1174C>T on transcript NM_000292.3 (MANE Select); coding-DNA position 1174, C replaced by T.
Protein change: p.Arg392Ter; replaces arginine 392 with a stop codon.
Molecular consequence: nonsense.
Genome position (GRCh38, 1-based): chrX:18,931,712, G>A on the plus strand (C>T on the coding strand, the complement: PHKA2 is on the minus strand). VCF-style: chrX-18931712-G-A. GRCh37 (hg19) VCF-style: chrX-18949830-G-A.
Other names: short protein forms R392*.
Identifiers: ClinVar variation 2138484 (VCV002138484.5), dbSNP rs760585193, ClinGen allele CA10361950.